The following is an entry in ClinVar:

ClinVar aggregate classification (germline): Benign/Likely benign. Review status: criteria provided, multiple submitters, no conflicts (2 of 4 stars). 7 submissions from 4 submitters: Benign (5); Likely benign (1). 1 of the submissions does not count toward it. Last evaluated 2025-12-01.

Conditions:
FGFR1-related disorder. Also called: FGFR1-related condition; FGFR1-related disorders. Identifiers: MedGen CN380097.
Craniosynostosis syndrome. Also called: Craniosynostosis. Identifiers: Orphanet 1531, MedGen C0010278, MeSH D003398, MONDO:0015469, HP:0001363.
Hypogonadotropic hypogonadism 2 with or without anosmia (HH2). Also called: HYPOGONADOTROPIC HYPOGONADISM 2 WITHOUT ANOSMIA; HYPOGONADOTROPIC HYPOGONADISM 2 WITH OR WITHOUT ANOSMIA, SUSCEPTIBILITY TO; HYPOGONADOTROPIC HYPOGONADISM 2 WITHOUT ANOSMIA, SUSCEPTIBILITY TO; FGFR1-Related GnRH Deficiency (Kallmann Syndrome 2). Identifiers: Orphanet 478, MedGen C1563720, MONDO:0007844, OMIM 147950. Disease mechanism: loss of function.
Trigonocephaly 1 (TRIGNO1). Identifiers: Orphanet 3366, MedGen C0432122, MONDO:0008603, OMIM 190440.
Osteoglophonic dysplasia (OGD). Also called: Osteoglophonic dwarfism. Identifiers: Orphanet 2645, MedGen C0432283, MONDO:0008150, OMIM 166250.

Allele frequency attached by ClinVar (database versions not stated): gnomAD 0.00038; 1000 Genomes Project 30x 0.00047; 1000 Genomes Project 0.00060; TOPMed 0.00061.
gnomAD v4.1: 156 of 232,574 alleles (0.067%); highest among the groups gnomAD compares: Middle Eastern, 0.51%; no homozygotes.

Submissions (7):

CeGaT Center for Human Genetics Tuebingen
Classification: Likely benign. Last evaluated: 2025-12-01. Review status: criteria provided, single submitter. Criteria: CeGaT Center For Human Genetics Tuebingen Variant Classification Criteria Version 2. Collection method: clinical testing. Allele origin: germline. Affected: yes. Observed: 8 variant alleles.
Comment: FGFR1: PP2, BS1

Illumina Laboratory Services, Illumina
Classification: Benign for Osteoglophonic dysplasia. Last evaluated: 2018-01-13. Review status: criteria provided, single submitter. Criteria: ICSL Variant Classification Criteria 13 December 2019. Collection method: clinical testing. Allele origin: germline.
Comment: This variant was observed in the ICSL laboratory as part of a predisposition screen in an ostensibly healthy population. It had not been previously curated by ICSL or reported in the Human Gene Mutation Database (HGMD: prior to June 1st, 2018), and was therefore a candidate for classification through an automated scoring system. Utilizing variant allele frequency, disease prevalence and penetrance estimates, and inheritance mode, an automated score was calculated to assess if this variant is too frequent to cause the disease. Based on the score and internal cut-off values, a variant classified as benign is not then subjected to further curation. The score for this variant resulted in a classification of benign for this disease.

Illumina Laboratory Services, Illumina
Classification: Benign for Hypogonadotropic hypogonadism 2 with or without anosmia. Last evaluated: 2018-01-13. Review status: criteria provided, single submitter. Criteria: ICSL Variant Classification Criteria 13 December 2019. Collection method: clinical testing. Allele origin: germline.
Comment: the same text as in the submission from Illumina Laboratory Services, Illumina above.

Illumina Laboratory Services, Illumina
Classification: Benign for Craniosynostosis. Last evaluated: 2018-01-13. Review status: criteria provided, single submitter. Criteria: ICSL Variant Classification Criteria 13 December 2019. Collection method: clinical testing. Allele origin: germline.
Comment: the same text as in the submission from Illumina Laboratory Services, Illumina above.

Illumina Laboratory Services, Illumina
Classification: Benign for Trigonocephaly 1. Last evaluated: 2018-01-13. Review status: criteria provided, single submitter. Criteria: ICSL Variant Classification Criteria 13 December 2019. Collection method: clinical testing. Allele origin: germline.
Comment: the same text as in the submission from Illumina Laboratory Services, Illumina above.

Breakthrough Genomics
Classification: Benign. Review status: criteria provided, single submitter. Criteria: ACMG Guidelines, 2015. Collection method: not provided. Allele origin: germline. Inheritance: Autosomal dominant inheritance. Affected: yes.

PreventionGenetics, part of Exact Sciences
Classification: Likely benign for FGFR1-related condition. Last evaluated: 2023-03-10. Review status: no assertion criteria provided. Collection method: clinical testing. Allele origin: germline. Not counted in ClinVar's aggregate classification.
Comment: This variant is classified as likely benign based on ACMG/AMP sequence variant interpretation guidelines (Richards et al. 2015 PMID: 25741868, with internal and published modifications).

NM_023110.3(FGFR1):c.*1211G>T

Genes: FGFR1 (fibroblast growth factor receptor 1; minus strand), LOC102723716 (uncharacterized LOC102723716; minus strand). Cytogenetic location: 8p11.23.
Variant type: single nucleotide variant.
Coding change: c.*1211G>T on transcript NM_023110.3 (MANE Select); 1211 bases downstream of the stop codon, G replaced by T.
Molecular consequence: 3 prime UTR variant. On other transcripts: missense variant (3).
Genome position (GRCh38, 1-based): chr8:38,412,417, C>A on the plus strand (G>T on the coding strand, the complement: FGFR1 is on the minus strand). VCF-style: chr8-38412417-C-A. GRCh37 (hg19) VCF-style: chr8-38269935-C-A.
Other names: c.*1211G>T (NM_001174063.2, NM_001174064.2, NM_001174065.2 and 6 more transcripts); c.2465G>T, p.Gly822Val (NM_001354367.2); c.2459G>T, p.Gly820Val (NM_001354369.2); c.2198G>T, p.Gly733Val (NM_001354370.2); c.2465G>T (NM_001354367.1); short protein forms G822V, G733V, G820V.
Identifiers: ClinVar variation 362871 (VCV000362871.34), dbSNP rs185104092, ClinGen allele CA10625382.
Genomic context (GRCh38, chr8:38,412,417, plus strand): 5'-TTAATCACTGTAGCTCTACCCCGTGGCTATTCCTAGGTAGGTGCCCCCTCCCCAGCCCAA[C>A]CCCACCGGTTTCCTTGGAGGAAACCATCCATGGTCGATGGCTGCTGGGCCTTGACTCTCT-3'